The following is an entry in ClinVar:

NM_004086.3(COCH):c.1320G>A (p.Met440Ile)

Genes: COCH (cochlin; plus strand), COCH-AS1 (COCH antisense RNA 1; minus strand). Cytogenetic location: 14q12.
Variant type: single nucleotide variant.
Coding change: c.1320G>A on transcript NM_004086.3 (MANE Select); coding-DNA position 1320, G replaced by A.
Protein change: p.Met440Ile; replaces methionine 440 with isoleucine.
Molecular consequence: missense variant. On other transcripts: non-coding transcript variant (1).
Genome position (GRCh38, 1-based): chr14:30,886,155, G>A. VCF-style: chr14-30886155-G-A. GRCh37 (hg19) VCF-style: chr14-31355361-G-A.
Other names: c.1320G>A, p.Met440Ile (NM_001135058.2); c.1515G>A, p.Met505Ile (NM_001347720.2); short protein forms M505I, M440I.
Identifiers: ClinVar variation 4761795 (VCV004761795.1).

ClinVar aggregate classification (germline): Uncertain significance (1 of 4 stars; one submission).

gnomAD v4.1: 2 of 1,611,878 alleles (0.00012%); highest among the groups gnomAD compares: South Asian, 0.0011%; no homozygotes.

Submission:

Labcorp Genetics (formerly Invitae), Labcorp
Classification: Uncertain significance. Last evaluated: 2025-09-06. Review status: criteria provided, single submitter. Criteria: Invitae Variant Classification Sherloc (09022015). Collection method: clinical testing. Allele origin: germline.
Comment: This sequence change replaces methionine, which is neutral and non-polar, with isoleucine, which is neutral and non-polar, at codon 440 of the COCH protein (p.Met440Ile). This variant is present in population databases (no rsID available, gnomAD 0.003%). This variant has not been reported in the literature in individuals affected with COCH-related conditions. Invitae Evidence Modeling of protein sequence and biophysical properties (such as structural, functional, and spatial information, amino acid conservation, physicochemical variation, residue mobility, and thermodynamic stability) has been performed for this missense variant. However, the output from this modeling did not meet the statistical confidence thresholds required to predict the impact of this variant on COCH protein function. In summary, the available evidence is currently insufficient to determine the role of this variant in disease. Therefore, it has been classified as a Variant of Uncertain Significance.